The following is an entry in ClinVar:

NM_031220.4(PITPNM3):c.2800C>G (p.Pro934Ala)

Gene: PITPNM3 (PITPNM family member 3; minus strand). Cytogenetic location: 17p13.2.
Variant type: single nucleotide variant.
Coding change: c.2800C>G on transcript NM_031220.4 (MANE Select); coding-DNA position 2800, C replaced by G.
Protein change: p.Pro934Ala; replaces proline 934 with alanine.
Molecular consequence: missense variant.
Genome position (GRCh38, 1-based): chr17:6,455,463, G>C on the plus strand (C>G on the coding strand, the complement: PITPNM3 is on the minus strand). VCF-style: chr17-6455463-G-C. GRCh37 (hg19) VCF-style: chr17-6358783-G-C.
Other names: c.2692C>G, p.Pro898Ala (NM_001165966.2); short protein forms P898A, P934A.
Identifiers: ClinVar variation 1471526 (VCV001471526.6), dbSNP rs1210893751, ClinGen allele CA397399963.

ClinVar aggregate classification (germline): Uncertain significance (1 of 4 stars; one submission).

gnomAD v4.1: 1 of 1,604,666 alleles (0.000062%); no homozygotes.

Submission:

Labcorp Genetics (formerly Invitae), Labcorp
Classification: Uncertain significance. Last evaluated: 2021-12-01. Review status: criteria provided, single submitter. Criteria: Invitae Variant Classification Sherloc (09022015). Collection method: clinical testing. Allele origin: germline.
Comment: This variant has not been reported in the literature in individuals affected with PITPNM3-related conditions. In summary, the available evidence is currently insufficient to determine the role of this variant in disease. Therefore, it has been classified as a Variant of Uncertain Significance. Algorithms developed to predict the effect of missense changes on protein structure and function are either unavailable or do not agree on the potential impact of this missense change (SIFT: "Deleterious"; PolyPhen-2: "Benign"; Align-GVGD: "Class C0"). This variant is not present in population databases (gnomAD no frequency). This sequence change replaces proline, which is neutral and non-polar, with alanine, which is neutral and non-polar, at codon 934 of the PITPNM3 protein (p.Pro934Ala).